The following is an entry in ClinVar:

ClinVar aggregate classification (germline): Uncertain significance (1 of 4 stars; one submission).

Conditions:
Bethlem myopathy 1A. Also called: MYOPATHY, BENIGN CONGENITAL, WITH CONTRACTURES; Bethlem myopathy 1; Bethlem Muscular Dystrophy. Identifiers: Orphanet 610, MedGen CN029274, MONDO:0024530, OMIM 158810.

Submission:

Labcorp Genetics (formerly Invitae), Labcorp
Classification: Uncertain significance for Bethlem myopathy 1A. Last evaluated: 2025-09-22. Review status: criteria provided, single submitter. Criteria: Invitae Variant Classification Sherloc (09022015). Collection method: clinical testing. Allele origin: germline.
Comment: This sequence change replaces serine, which is neutral and polar, with proline, which is neutral and non-polar, at codon 605 of the COL6A1 protein (p.Ser605Pro). This variant is not present in population databases (gnomAD no frequency). This variant has not been reported in the literature in individuals affected with COL6A1-related conditions. An algorithm developed to predict the effect of missense changes on protein structure and function (PolyPhen-2) suggests that this variant is likely to be disruptive. In summary, the available evidence is currently insufficient to determine the role of this variant in disease. Therefore, it has been classified as a Variant of Uncertain Significance.

NM_001848.3(COL6A1):c.1813T>C (p.Ser605Pro)

Gene: COL6A1 (collagen type VI alpha 1 chain; plus strand). Cytogenetic location: 21q22.3.
Variant type: single nucleotide variant.
Coding change: c.1813T>C on transcript NM_001848.3 (MANE Select); coding-DNA position 1813, T replaced by C.
Protein change: p.Ser605Pro; replaces serine 605 with proline.
Molecular consequence: missense variant.
Genome position (GRCh38, 1-based): chr21:46,000,367, T>C. VCF-style: chr21-46000367-T-C. GRCh37 (hg19) VCF-style: chr21-47420281-T-C.
Other names: short protein forms S605P.
Identifiers: ClinVar variation 4804490 (VCV004804490.1).